The following is an entry in ClinVar:

NM_004415.4(DSP):c.7017T>C (p.Tyr2339=)

Gene: DSP (desmoplakin; plus strand). Cytogenetic location: 6p24.3.
Variant type: single nucleotide variant.
Coding change: c.7017T>C on transcript NM_004415.4 (MANE Select); coding-DNA position 7017, T replaced by C.
Protein change: p.Tyr2339=; no amino-acid change (tyrosine 2339 retained).
Molecular consequence: synonymous variant.
Genome position (GRCh38, 1-based): chr6:7,584,279, T>C. VCF-style: chr6-7584279-T-C. GRCh37 (hg19) VCF-style: chr6-7584512-T-C.
Other names: c.5220T>C, p.Tyr1740= (NM_001008844.3); c.5688T>C, p.Tyr1896= (NM_001319034.2).
Identifiers: ClinVar variation 923973 (VCV000923973.15), dbSNP rs753946358, ClinGen allele CA133975531.

ClinVar aggregate classification (germline): Likely benign. Review status: criteria provided, multiple submitters, no conflicts (2 of 4 stars). 5 submissions from 5 submitters: Likely benign (5). Last evaluated 2025-06-20.

Conditions:
Cardiomyopathy (CMYO). Also called: Cardiomyopathies. Identifiers: Orphanet 167848, MedGen C0878544, MONDO:0004994, HP:0001638. Inheritance: Various modes of inheritance.
Arrhythmogenic cardiomyopathy with wooly hair and keratoderma. Also called: PALMOPLANTAR KERATODERMA WITH LEFT VENTRICULAR CARDIOMYOPATHY AND WOOLLY HAIR; Carvajal syndrome; Dilated cardiomyopathy with woolly hair and keratoderma; Arrhythmogenic cardiomyopathy with woolly hair and keratoderma. Identifiers: Orphanet 65282, MedGen C1854063, MONDO:0011581, OMIM 605676.
Cardiovascular phenotype. Identifiers: MedGen CN230736.
Arrhythmogenic right ventricular dysplasia 8 (ARVD8). Also called: Arrhythmogenic Right Ventricular Dysplasia/Cardiomyopathy 8; ARRHYTHMOGENIC RIGHT VENTRICULAR DYSPLASIA, FAMILIAL, 8; ARRHYTHMOGENIC RIGHT VENTRICULAR CARDIOMYOPATHY 8. Identifiers: MedGen C1843896, MONDO:0011831, OMIM 607450.

Allele frequency attached by ClinVar (database versions not stated): gnomAD exomes 0.00001.
gnomAD v4.1: 17 of 1,614,156 alleles (0.0011%); highest among the groups gnomAD compares: Non-Finnish European, 0.0014%; no homozygotes.

Submissions (5):

Women's Health and Genetics/Laboratory Corporation of America, LabCorp
Classification: Likely benign. Last evaluated: 2025-06-20. Review status: criteria provided, single submitter. Criteria: LabCorp Variant Classification Summary - May 2015. Collection method: clinical testing. Allele origin: germline.

Labcorp Genetics (formerly Invitae), Labcorp
Classification: Likely benign for Arrhythmogenic cardiomyopathy with wooly hair and keratoderma; Arrhythmogenic right ventricular dysplasia 8. Last evaluated: 2025-05-08. Review status: criteria provided, single submitter. Criteria: Invitae Variant Classification Sherloc (09022015). Collection method: clinical testing. Allele origin: germline.

Ambry Genetics
Classification: Likely benign for Cardiovascular phenotype. Last evaluated: 2023-07-22. Review status: criteria provided, single submitter. Criteria: Ambry Variant Classification Scheme 2023. Collection method: clinical testing. Allele origin: germline.

All of Us Research Program, National Institutes of Health
Classification: Likely benign for Arrhythmogenic cardiomyopathy with wooly hair and keratoderma. Last evaluated: 2023-07-10. Review status: criteria provided, single submitter. Criteria: ACMG Guidelines, 2015. Collection method: clinical testing. Allele origin: germline. Inheritance: Autosomal dominant inheritance. Observed: 2 variant alleles, 2 heterozygotes.
Comment: This study involves interpretation of variants in research participants for the purpose of population health screening. Participant phenotype was not available at the time of variant classification. Additional details can be found in publication PMID: 35346344, PMCID: PMC8962531

Color Diagnostics, LLC DBA Color Health
Classification: Likely benign for Cardiomyopathy. Last evaluated: 2018-11-16. Review status: criteria provided, single submitter. Criteria: ACMG Guidelines, 2015. Collection method: clinical testing. Allele origin: germline.